The following is an entry in ClinVar:

ClinVar aggregate classification (germline): Uncertain significance (1 of 4 stars; one submission).

Submission:

Labcorp Genetics (formerly Invitae), Labcorp
Classification: Uncertain significance. Last evaluated: 2024-03-01. Review status: criteria provided, single submitter. Criteria: Invitae Variant Classification Sherloc (09022015). Collection method: clinical testing. Allele origin: germline.
Comment: This sequence change replaces glycine, which is neutral and non-polar, with alanine, which is neutral and non-polar, at codon 678 of the NCSTN protein (p.Gly678Ala). This variant is present in population databases (no rsID available, gnomAD 0.0009%). This variant has not been reported in the literature in individuals affected with NCSTN-related conditions. Advanced modeling of protein sequence and biophysical properties (such as structural, functional, and spatial information, amino acid conservation, physicochemical variation, residue mobility, and thermodynamic stability) performed at Invitae indicates that this missense variant is not expected to disrupt NCSTN protein function with a negative predictive value of 80%. In summary, the available evidence is currently insufficient to determine the role of this variant in disease. Therefore, it has been classified as a Variant of Uncertain Significance.

NM_015331.3(NCSTN):c.2033G>C (p.Gly678Ala)

Gene: NCSTN (nicastrin; plus strand). Cytogenetic location: 1q23.2.
Variant type: single nucleotide variant.
Coding change: c.2033G>C on transcript NM_015331.3 (MANE Select); coding-DNA position 2033, G replaced by C.
Protein change: p.Gly678Ala; replaces glycine 678 with alanine.
Molecular consequence: missense variant.
Genome position (GRCh38, 1-based): chr1:160,358,174, G>C. VCF-style: chr1-160358174-G-C. GRCh37 (hg19) VCF-style: chr1-160327964-G-C.
Other names: c.1973G>C, p.Gly658Ala (NM_001290184.2); c.1619G>C, p.Gly540Ala (NM_001290186.2); c.1820G>C, p.Gly607Ala (NM_001349729.2); short protein forms G607A, G540A, G658A, G678A.
Identifiers: ClinVar variation 3643799 (VCV003643799.2).